The following is an entry in ClinVar:

NM_001130438.3(SPTAN1):c.3508G>A (p.Val1170Met)

Gene: SPTAN1 (spectrin alpha, non-erythrocytic 1; plus strand). Cytogenetic location: 9q34.11.
Variant type: single nucleotide variant.
Coding change: c.3508G>A on transcript NM_001130438.3 (MANE Select); coding-DNA position 3508, G replaced by A.
Protein change: p.Val1170Met; replaces valine 1170 with methionine.
Molecular consequence: missense variant.
Genome position (GRCh38, 1-based): chr9:128,598,493, G>A. VCF-style: chr9-128598493-G-A. GRCh37 (hg19) VCF-style: chr9-131360772-G-A.
Other names: c.3448G>A, p.Val1150Met (NM_001195532.2, NM_001363765.2, NM_001375314.2); c.3508G>A, p.Val1170Met (NM_001363759.2, NM_001375310.1, NM_001375311.2 and 2 more transcripts); c.3544G>A, p.Val1182Met (NM_001375312.2, NM_001375318.1); short protein forms V1182M, V1150M, V1170M.
Identifiers: ClinVar variation 1732130 (VCV001732130.2), dbSNP rs1342900033, ClinGen allele CA375062426.

ClinVar aggregate classification (germline): Uncertain significance (1 of 4 stars; one submission).

Conditions:
Inborn genetic diseases. Identifiers: MedGen C0950123, MeSH D030342.

Allele frequency attached by ClinVar (database versions not stated): gnomAD exomes below 0.00001.
gnomAD v4.1: 1 of 1,608,204 alleles (0.000062%); no homozygotes.

Submission:

Ambry Genetics
Classification: Uncertain significance for Inborn genetic diseases. Last evaluated: 2016-06-16. Review status: criteria provided, single submitter. Criteria: Ambry Variant Classification Scheme 2023. Collection method: clinical testing. Allele origin: germline.
Comment: The p.V1170M variant (also known as c.3508G>A), located in coding exon 24 of the SPTAN1 gene, results from a G to A substitution at nucleotide position 3508. The valine at codon 1170 is replaced by methionine, an amino acid with highly similar properties. This variant was not reported in population based cohorts in the following databases: Database of Single Nucleotide Polymorphisms (dbSNP), NHLBI Exome Sequencing Project (ESP), and 1000 Genomes Project. In the ESP, this variant was not observed in 6503 samples (13006 alleles) with coverage at this position. This amino acid position is highly conserved in available vertebrate species. In addition, this alteration is predicted to be tolerated by in silico analysis. Since supporting evidence is limited at this time, the clinical significance of this alteration remains unclear.